The following is an entry in ClinVar:

ClinVar aggregate classification (germline): Uncertain significance. Review status: criteria provided, multiple submitters, no conflicts (2 of 4 stars). 2 submissions from 2 submitters: Uncertain significance (2). Last evaluated 2022-10-04.

Conditions:
Lissencephaly 8 (LIS8). Identifiers: MedGen C4310646, MONDO:0014992, OMIM 617255.

Allele frequency attached by ClinVar (database versions not stated): gnomAD 0.00030 and 0.00028; ESP Exome Variant Server 0.00038; 1000 Genomes Project 30x 0.00016; 1000 Genomes Project 0.00020; ExAC 0.00020; gnomAD exomes 0.00021; TOPMed 0.00029.
gnomAD v4.1: 665 of 1,613,640 alleles (0.041%); highest among the groups gnomAD compares: Non-Finnish European, 0.055%; no homozygotes.

Submissions (2):

Revvity Omics, Revvity
Classification: Uncertain significance for Lissencephaly 8. Last evaluated: 2022-10-04. Review status: criteria provided, single submitter. Criteria: ACMG Guidelines, 2015. Collection method: clinical testing. Allele origin: germline.

Labcorp Genetics (formerly Invitae), Labcorp
Classification: Uncertain significance. Last evaluated: 2022-04-18. Review status: criteria provided, single submitter. Criteria: Invitae Variant Classification Sherloc (09022015). Collection method: clinical testing. Allele origin: germline.
Comment: This sequence change replaces tyrosine, which is neutral and polar, with cysteine, which is neutral and slightly polar, at codon 20 of the TMTC3 protein (p.Tyr20Cys). This variant is present in population databases (rs140803138, gnomAD 0.04%), including at least one homozygous and/or hemizygous individual. This variant has not been reported in the literature in individuals affected with TMTC3-related conditions. Algorithms developed to predict the effect of missense changes on protein structure and function are either unavailable or do not agree on the potential impact of this missense change (SIFT: "Deleterious"; PolyPhen-2: "Probably Damaging"; Align-GVGD: "Class C0"). In summary, the available evidence is currently insufficient to determine the role of this variant in disease. Therefore, it has been classified as a Variant of Uncertain Significance.

NM_181783.4(TMTC3):c.59A>G (p.Tyr20Cys)

Gene: TMTC3 (transmembrane O-mannosyltransferase targeting cadherins 3; plus strand). Cytogenetic location: 12q21.32.
Variant type: single nucleotide variant.
Coding change: c.59A>G on transcript NM_181783.4 (MANE Select); coding-DNA position 59, A replaced by G.
Protein change: p.Tyr20Cys; replaces tyrosine 20 with cysteine.
Molecular consequence: missense variant. On other transcripts: non-coding transcript variant (1), intron variant (3).
Genome position (GRCh38, 1-based): chr12:88,148,374, A>G. VCF-style: chr12-88148374-A-G. GRCh37 (hg19) VCF-style: chr12-88542151-A-G.
Other names: c.59A>G, p.Tyr20Cys (NM_001366579.1); c.-77-45A>G (NM_001366574.1); c.-78-4917A>G (NM_001366580.1); c.-286+5887A>G (NM_001366583.1); short protein forms Y20C.
Identifiers: ClinVar variation 1494499 (VCV001494499.6), dbSNP rs140803138, ClinGen allele CA6712962.